The following is an entry in ClinVar:

ClinVar aggregate classification (germline): Pathogenic (1 of 4 stars; one submission).

Submission:

Labcorp Genetics (formerly Invitae), Labcorp
Classification: Pathogenic. Last evaluated: 2025-08-26. Review status: criteria provided, single submitter. Criteria: Invitae Variant Classification Sherloc (09022015). Collection method: clinical testing. Allele origin: germline.
Comment: This sequence change creates a premature translational stop signal (p.Glu239Lysfs*8) in the HELLS gene. It is expected to result in an absent or disrupted protein product. Loss-of-function variants in HELLS are known to be pathogenic (PMID: 26216346). This variant is not present in population databases (gnomAD no frequency). This variant has not been reported in the literature in individuals affected with HELLS-related conditions. For these reasons, this variant has been classified as Pathogenic.

Literature cited by the submitters: PubMed 26216346.

NM_018063.5(HELLS):c.715del (p.Glu239fs)

Gene: HELLS (helicase, lymphoid specific; plus strand). Cytogenetic location: 10q23.33.
Variant type: Deletion.
Coding change: c.715del on transcript NM_018063.5 (MANE Select); coding-DNA position 715, one base deleted (G; older notation c.715delG).
Protein change: p.Glu239fs; shifts the reading frame from glutamic acid 239.
Molecular consequence: frameshift variant. On other transcripts: 5 prime UTR variant (2).
Genome position (GRCh38, 1-based): chr10:94,574,563, G deleted; the last of 3 consecutive G bases (chr10:94,574,561-94,574,563); deleting any one gives the same sequence. VCF-style (leftmost placement, unchanged base first): chr10-94574560-TG-T. GRCh37 (hg19) VCF-style: chr10-96334317-TG-T.
Other names: c.715del, p.Glu239fs (NM_001289067.2, NM_001289069.2, NM_001289070.2 and 1 more transcripts); c.667del, p.Glu223fs (NM_001289068.2); c.343del, p.Glu115fs (NM_001289071.2); c.301del, p.Glu101fs (NM_001289073.2); c.-288del (NM_001289074.2); c.-307del (NM_001289075.2); short protein forms E101fs, E115fs, E223fs, E239fs.
Identifiers: ClinVar variation 4725477 (VCV004725477.1).